The following is an entry in ClinVar:

ClinVar aggregate classification (germline): Uncertain significance. Review status: criteria provided, multiple submitters, no conflicts (2 of 4 stars). 2 submissions from 2 submitters: Uncertain significance (2). Last evaluated 2024-09-09.

Allele frequency attached by ClinVar (database versions not stated): gnomAD exomes 0.00002; gnomAD 0.00003; TOPMed 0.00003; ExAC 0.00008.
gnomAD v4.1: 38 of 1,612,534 alleles (0.0024%); highest among the groups gnomAD compares: South Asian, 0.018%; no homozygotes.

Submissions (2):

Ambry Genetics
Classification: Uncertain significance. Last evaluated: 2024-09-09. Review status: criteria provided, single submitter. Criteria: Ambry Variant Classification Scheme 2023. Collection method: clinical testing. Allele origin: germline.

Labcorp Genetics (formerly Invitae), Labcorp
Classification: Uncertain significance. Last evaluated: 2022-10-17. Review status: criteria provided, single submitter. Criteria: Invitae Variant Classification Sherloc (09022015). Collection method: clinical testing. Allele origin: germline.
Comment: This sequence change replaces arginine, which is basic and polar, with cysteine, which is neutral and slightly polar, at codon 1217 of the SIPA1L3 protein (p.Arg1217Cys). This variant is present in population databases (rs746842528, gnomAD 0.02%). This variant has not been reported in the literature in individuals affected with SIPA1L3-related conditions. Algorithms developed to predict the effect of missense changes on protein structure and function are either unavailable or do not agree on the potential impact of this missense change (SIFT: "Deleterious"; PolyPhen-2: "Possibly Damaging"; Align-GVGD: "Class C0"). In summary, the available evidence is currently insufficient to determine the role of this variant in disease. Therefore, it has been classified as a Variant of Uncertain Significance.

NM_015073.3(SIPA1L3):c.3649C>T (p.Arg1217Cys)

Gene: SIPA1L3 (signal induced proliferation associated 1 like 3; plus strand). Cytogenetic location: 19q13.13.
Variant type: single nucleotide variant.
Coding change: c.3649C>T on transcript NM_015073.3 (MANE Select); coding-DNA position 3649, C replaced by T.
Protein change: p.Arg1217Cys; replaces arginine 1217 with cysteine.
Molecular consequence: missense variant.
Genome position (GRCh38, 1-based): chr19:38,152,955, C>T. VCF-style: chr19-38152955-C-T. GRCh37 (hg19) VCF-style: chr19-38643595-C-T.
Other names: c.3649C>T (NM_015073.1); short protein forms R1217C.
Identifiers: ClinVar variation 2413325 (VCV002413325.7), dbSNP rs746842528, ClinGen allele CA9410066.